The following is an entry in ClinVar:

ClinVar aggregate classification (germline): Uncertain significance (1 of 4 stars; one submission).

Conditions:
Inborn genetic diseases. Identifiers: MedGen C0950123, MeSH D030342.

Submission:

Ambry Genetics
Classification: Uncertain significance for Inborn genetic diseases. Last evaluated: 2024-12-14. Review status: criteria provided, single submitter. Criteria: Ambry Variant Classification Scheme 2023. Collection method: clinical testing. Allele origin: germline.
Comment: The p.P111S variant (also known as c.331C>T), located in coding exon 3 of the ELANE gene, results from a C to T substitution at nucleotide position 331. The proline at codon 111 is replaced by serine, an amino acid with similar properties. This amino acid position is conserved. In addition, the in silico prediction for this alteration is inconclusive. Based on the available evidence, the clinical significance of this variant remains unclear.

NM_001972.4(ELANE):c.331C>T (p.Pro111Ser)

Gene: ELANE (elastase, neutrophil expressed; plus strand). Cytogenetic location: 19p13.3.
Variant type: single nucleotide variant.
Coding change: c.331C>T on transcript NM_001972.4 (MANE Select); coding-DNA position 331, C replaced by T.
Protein change: p.Pro111Ser; replaces proline 111 with serine.
Molecular consequence: missense variant.
Genome position (GRCh38, 1-based): chr19:853,368, C>T. VCF-style: chr19-853368-C-T. GRCh37 (hg19) VCF-style: chr19-853368-C-T.
Other names: short protein forms P111S.
Identifiers: ClinVar variation 3844271 (VCV003844271.1).